The following is an entry in ClinVar:

NM_004714.3(DYRK1B):c.957C>T (p.Val319=)

Gene: DYRK1B (dual specificity tyrosine phosphorylation regulated kinase 1B; minus strand). Cytogenetic location: 19q13.2.
Variant type: single nucleotide variant.
Coding change: c.957C>T on transcript NM_004714.3 (MANE Select); coding-DNA position 957, C replaced by T.
Protein change: p.Val319=; no amino-acid change (valine 319 retained).
Molecular consequence: synonymous variant.
Genome position (GRCh38, 1-based): chr19:39,827,423, G>A on the plus strand (C>T on the coding strand, the complement: DYRK1B is on the minus strand). VCF-style: chr19-39827423-G-A. GRCh37 (hg19) VCF-style: chr19-40318063-G-A.
Other names: c.957C>T, p.Val319= (NM_006483.3, NM_006484.3).
Identifiers: ClinVar variation 3357254 (VCV003357254.1).

ClinVar aggregate classification (germline): Likely benign (0 of 4 stars; one submission).

Conditions:
DYRK1B-related disorder. Also called: DYRK1B-related condition.

gnomAD v4.1: 32 of 1,611,780 alleles (0.002%); highest among the groups gnomAD compares: East Asian, 0.036%; no homozygotes.

Submission:

PreventionGenetics, part of Exact Sciences
Classification: Likely benign for DYRK1B-related condition. Last evaluated: 2024-08-05. Review status: no assertion criteria provided. Collection method: clinical testing. Allele origin: germline.
Comment: This variant is classified as likely benign based on ACMG/AMP sequence variant interpretation guidelines (Richards et al. 2015 PMID: 25741868, with internal and published modifications).